The following is an entry in ClinVar:

ClinVar aggregate classification (germline): Benign (1 of 4 stars; one submission).

Allele frequency attached by ClinVar (database versions not stated): gnomAD 0.32348 and 0.33160; TOPMed 0.33366; 1000 Genomes Project 30x 0.39866; 1000 Genomes Project 0.40555.

Submission:

GeneDx
Classification: Benign. Last evaluated: 2018-06-14. Review status: criteria provided, single submitter. Criteria: GeneDx Variant Classification (06012015). Collection method: clinical testing. Allele origin: germline. Affected: yes.
Comment: This variant is considered likely benign or benign based on one or more of the following criteria: it is a conservative change, it occurs at a poorly conserved position in the protein, it is predicted to be benign by multiple in silico algorithms, and/or has population frequency not consistent with disease.

NM_003384.3(VRK1):c.1069-236del

Gene: VRK1 (VRK serine/threonine kinase 1; plus strand). Cytogenetic location: 14q32.2.
Variant type: Deletion.
Coding change: c.1069-236del on transcript NM_003384.3 (MANE Select); 236 bases into the intron before coding-DNA position 1069, one base deleted (A; older notation c.1069-236delA).
Molecular consequence: intron variant.
Genome position (GRCh38, 1-based): chr14:96,875,794, A deleted. VCF-style (leftmost placement, unchanged base first): chr14-96875793-TA-T. GRCh37 (hg19) VCF-style: chr14-97342130-TA-T.
Identifiers: ClinVar variation 670863 (VCV000670863.1), dbSNP rs34525141, ClinGen allele CA266092490.
Genomic context (GRCh38, chr14:96,875,793, plus strand): 5'-ACCATAGCTTTGAATAATGAAGTATATAAAGCATGAAAAGTTAGAGGTGGATATAACAAA[TA>T]TATCTACCATCTGGGTTAACTGTCTAGTTGAAAGTTCTTGTACTCCCCCTTTCTTCCATC-3'